The following is an entry in ClinVar:

ClinVar aggregate classification (germline): Uncertain significance (1 of 4 stars; one submission).

Conditions:
CHARGE syndrome (CHARGE). Also called: Hittner Hirsch Kreh syndrome; CHARGE ASSOCIATION--COLOBOMA, HEART ANOMALY, CHOANAL ATRESIA, RETARDATION, GENITAL AND EAR ANOMALIES; Coloboma, heart anomaly, choanal atresia, retardation, genital and ear anomalies; CHARGE association; Hall-Hittner syndrome. Identifiers: Orphanet 138, MedGen C0265354, MONDO:0008965.

Submission:

Labcorp Genetics (formerly Invitae), Labcorp
Classification: Uncertain significance for CHARGE syndrome. Last evaluated: 2024-10-15. Review status: criteria provided, single submitter. Criteria: Invitae Variant Classification Sherloc (09022015). Collection method: clinical testing. Allele origin: germline.
Comment: This sequence change replaces threonine, which is neutral and polar, with alanine, which is neutral and non-polar, at codon 2350 of the CHD7 protein (p.Thr2350Ala). This variant is not present in population databases (gnomAD no frequency). This variant has not been reported in the literature in individuals affected with CHD7-related conditions. ClinVar contains an entry for this variant (Variation ID: 2040080). Invitae Evidence Modeling of protein sequence and biophysical properties (such as structural, functional, and spatial information, amino acid conservation, physicochemical variation, residue mobility, and thermodynamic stability) indicates that this missense variant is not expected to disrupt CHD7 protein function with a negative predictive value of 95%. In summary, the available evidence is currently insufficient to determine the role of this variant in disease. Therefore, it has been classified as a Variant of Uncertain Significance.

NM_017780.4(CHD7):c.7048A>G (p.Thr2350Ala)

Gene: CHD7 (chromodomain helicase DNA binding protein 7; plus strand). Cytogenetic location: 8q12.2.
Variant type: single nucleotide variant.
Coding change: c.7048A>G on transcript NM_017780.4 (MANE Select); coding-DNA position 7048, A replaced by G.
Protein change: p.Thr2350Ala; replaces threonine 2350 with alanine.
Molecular consequence: missense variant. On other transcripts: intron variant (1).
Genome position (GRCh38, 1-based): chr8:60,856,086, A>G. VCF-style: chr8-60856086-A-G. GRCh37 (hg19) VCF-style: chr8-61768645-A-G.
Other names: c.1717-6143A>G (NM_001316690.1); short protein forms T2350A.
Identifiers: ClinVar variation 2040080 (VCV002040080.4), dbSNP rs2488068458, ClinGen allele CA371298682.